The following is an entry in ClinVar:

ClinVar aggregate classification (germline): Uncertain significance (1 of 4 stars; one submission).

Submission:

GeneDx
Classification: Uncertain significance. Last evaluated: 2021-02-04. Review status: criteria provided, single submitter. Criteria: GeneDx Variant Classification Process June 2021. Collection method: clinical testing. Allele origin: germline. Affected: yes.
Comment: Not observed in large population cohorts (Lek et al., 2016); In silico analysis supports that this missense variant has a deleterious effect on protein structure/function; Has not been previously published as pathogenic or benign to our knowledge

NM_001346754.2(PIGW):c.200C>T (p.Pro67Leu)

Genes: MYO19 (myosin XIX; minus strand), PIGW (phosphatidylinositol glycan anchor biosynthesis class W; plus strand). Cytogenetic location: 17q12.
Variant type: single nucleotide variant.
Coding change: c.200C>T on transcript NM_001346754.2 (MANE Select); coding-DNA position 200, C replaced by T.
Protein change: p.Pro67Leu; replaces proline 67 with leucine.
Molecular consequence: missense variant.
Genome position (GRCh38, 1-based): chr17:36,537,301, C>T. VCF-style: chr17-36537301-C-T. GRCh37 (hg19) VCF-style: chr17-34893150-C-T.
Other names: c.200C>T, p.Pro67Leu (NM_001346755.2, NM_178517.5); short protein forms P67L.
Identifiers: ClinVar variation 426691 (VCV000426691.3), dbSNP rs1085307747, ClinGen allele CA399162055.